The following is an entry in ClinVar:

NM_001101362.3(KBTBD13):c.1184C>G (p.Thr395Arg)

Gene: KBTBD13 (kelch repeat and BTB domain containing 13; plus strand). Cytogenetic location: 15q22.31.
Variant type: single nucleotide variant.
Coding change: c.1184C>G on transcript NM_001101362.3 (MANE Select); coding-DNA position 1184, C replaced by G.
Protein change: p.Thr395Arg; replaces threonine 395 with arginine.
Molecular consequence: missense variant.
Genome position (GRCh38, 1-based): chr15:65,077,999, C>G. VCF-style: chr15-65077999-C-G. GRCh37 (hg19) VCF-style: chr15-65370337-C-G.
Other names: short protein forms T395R.
Identifiers: ClinVar variation 1504568 (VCV001504568.6), dbSNP rs758995387, ClinGen allele CA7614099.

ClinVar aggregate classification (germline): Uncertain significance (1 of 4 stars; one submission).

Conditions:
Nemaline myopathy 6 (NEM6). Also called: Nemaline myopathy 6, autosomal dominant. Identifiers: Orphanet 171439, MedGen C1836472, MONDO:0012237, OMIM 609273.

Submission:

Labcorp Genetics (formerly Invitae), Labcorp
Classification: Uncertain significance for Nemaline myopathy 6. Last evaluated: 2022-03-08. Review status: criteria provided, single submitter. Criteria: Invitae Variant Classification Sherloc (09022015). Collection method: clinical testing. Allele origin: germline.
Comment: In summary, the available evidence is currently insufficient to determine the role of this variant in disease. Therefore, it has been classified as a Variant of Uncertain Significance. This variant has not been reported in the literature in individuals affected with KBTBD13-related conditions. This sequence change replaces threonine, which is neutral and polar, with arginine, which is basic and polar, at codon 395 of the KBTBD13 protein (p.Thr395Arg). This variant is present in population databases (rs758995387, gnomAD 0.002%). Algorithms developed to predict the effect of missense changes on protein structure and function are either unavailable or do not agree on the potential impact of this missense change (SIFT: "Deleterious"; PolyPhen-2: "Probably Damaging"; Align-GVGD: "Class C0").